The following is an entry in ClinVar:

NM_000465.4(BARD1):c.401A>G (p.Asn134Ser)

Gene: BARD1 (BRCA1 associated RING domain 1; minus strand). Cytogenetic location: 2q35.
Variant type: single nucleotide variant.
Coding change: c.401A>G on transcript NM_000465.4 (MANE Select); coding-DNA position 401, A replaced by G.
Protein change: p.Asn134Ser; replaces asparagine 134 with serine.
Molecular consequence: missense variant. On other transcripts: non-coding transcript variant (2), intron variant (3).
Genome position (GRCh38, 1-based): chr2:214,781,473, T>C on the plus strand (A>G on the coding strand, the complement: BARD1 is on the minus strand). VCF-style: chr2-214781473-T-C. GRCh37 (hg19) VCF-style: chr2-215646197-T-C.
Other names: NP_000456.2:p.Asn134Ser; c.401A>G (NM_000465.2); c.344A>G, p.Asn115Ser (NM_001282543.2); c.158+27939A>G (NM_001282548.2); c.215+15588A>G (NM_001282545.2); c.364+10824A>G (NM_001282549.2); short protein forms N134S, N115S.
Identifiers: ClinVar variation 648325 (VCV000648325.15), dbSNP rs1559426297, ClinGen allele CA350458072.
Genomic context (GRCh38, chr2:214,781,473, plus strand): 5'-ACTTTCTTACTTCGAGGGCTAAACCACATTTTAATTGAATTCTTCTTGTTTCCTGCATCA[T>C]TAAACAAACTTTTCCTAGGTTTATCTTCTTTCAAATCTGACAGAAAAAAAGAAAAAGAAA-3'
Protein context (NP_000456.2, residues 124-144): KEDKPRKSLF[Asn134Ser]DAGNKKNSIK

ClinVar aggregate classification (germline): Uncertain significance. Review status: criteria provided, multiple submitters, no conflicts (2 of 4 stars). 4 submissions from 4 submitters: Uncertain significance (4). Last evaluated 2025-05-18.

Conditions:
Familial cancer of breast. Also called: hereditary breast carcinoma; Hereditary breast cancer; BREAST CANCER, FAMILIAL. Identifiers: Orphanet 227535, MedGen C0346153, MONDO:0016419, OMIM 114480. Disease mechanism: loss of function.
Hereditary breast ovarian cancer syndrome. Also called: Breast and ovarian cancer; BRCA1- and BRCA2-Associated Hereditary Breast and Ovarian Cancer; Hereditary breast and ovarian cancer; Hereditary breast and ovarian cancer syndrome (HBOC); Hereditary breast and/or ovarian cancer syndrome; Hereditary breast and ovarian cancer syndrome. Identifiers: Orphanet 145, MedGen C0677776, MeSH D061325, MONDO:0003582. Disease mechanism: loss of function.
Hereditary cancer-predisposing syndrome. Also called: Neoplastic Syndromes, Hereditary; Tumor predisposition; Hereditary Cancer Syndrome; Hereditary neoplastic syndrome. Identifiers: Orphanet 140162, MedGen C0027672, MeSH D009386, MONDO:0015356.

Allele frequency attached by ClinVar (database versions not stated): gnomAD exomes below 0.00001.
gnomAD v4.1: 3 of 1,612,176 alleles (0.00019%); highest among the groups gnomAD compares: African/African-American, 0.0027%; no homozygotes.

Submissions (4):

Labcorp Genetics (formerly Invitae), Labcorp
Classification: Uncertain significance for Familial cancer of breast. Last evaluated: 2025-05-18. Review status: criteria provided, single submitter. Criteria: Invitae Variant Classification Sherloc (09022015). Collection method: clinical testing. Allele origin: germline.
Comment: This sequence change replaces asparagine, which is neutral and polar, with serine, which is neutral and polar, at codon 134 of the BARD1 protein (p.Asn134Ser). This variant is not present in population databases (gnomAD no frequency). This variant has not been reported in the literature in individuals affected with BARD1-related conditions. ClinVar contains an entry for this variant (Variation ID: 648325). An algorithm developed to predict the effect of missense changes on protein structure and function outputs the following: PolyPhen-2: "Benign". The serine amino acid residue is found in multiple mammalian species, which suggests that this missense change does not adversely affect protein function. In summary, the available evidence is currently insufficient to determine the role of this variant in disease. Therefore, it has been classified as a Variant of Uncertain Significance.

Ambry Genetics
Classification: Uncertain significance for Hereditary cancer-predisposing syndrome. Last evaluated: 2024-02-24. Review status: criteria provided, single submitter. Criteria: Ambry Variant Classification Scheme 2023. Collection method: clinical testing. Allele origin: germline.
Comment: The p.N134S variant (also known as c.401A>G), located in coding exon 4 of the BARD1 gene, results from an A to G substitution at nucleotide position 401. The asparagine at codon 134 is replaced by serine, an amino acid with highly similar properties. This amino acid position is conserved. In addition, this alteration is predicted to be tolerated by in silico analysis. Based on the available evidence, the clinical significance of this alteration remains unclear.

National Health Laboratory Service, Universitas Academic Hospital and University of the Free State
Classification: Uncertain significance for Hereditary breast ovarian cancer syndrome. Last evaluated: 2022-04-19. Review status: criteria provided, single submitter. Criteria: ACMG Guidelines, 2015. Collection method: clinical testing. Allele origin: germline. Affected: yes. Observed: 2 variant alleles.

Color Diagnostics, LLC DBA Color Health
Classification: Uncertain significance for Hereditary cancer-predisposing syndrome. Last evaluated: 2019-08-16. Review status: criteria provided, single submitter. Criteria: ACMG Guidelines, 2015. Collection method: clinical testing. Allele origin: germline.
Comment: This missense variant replaces asparagine with serine at codon 134 of the BARD1 protein. Computational prediction tools and conservation analyses suggest that this variant may not impact the protein function. Computational splicing tools suggest that this variant may not impact RNA splicing. To our knowledge, functional assays have not been performed for this variant nor has this variant been reported in individuals affected with hereditary cancer in the literature. This variant has not been identified in the general population by the Genome Aggregation Database (gnomAD). Available evidence is insufficient to determine the role of this variant in disease conclusively. Therefore, this variant is classified as a Variant of Uncertain Significance.